The following is an entry in ClinVar:

ClinVar aggregate classification (germline): Uncertain significance (1 of 4 stars; one submission).

Conditions:
Alstrom syndrome (ALMS). Identifiers: Orphanet 64, MedGen C0268425, MONDO:0008763, OMIM 203800.

Allele frequency attached by ClinVar (database versions not stated): TOPMed below 0.00001; gnomAD 0.00001; gnomAD exomes 0.00001.
gnomAD v4.1: 12 of 1,613,760 alleles (0.00074%); highest among the groups gnomAD compares: Non-Finnish European, 0.001%; no homozygotes.

Submission:

Labcorp Genetics (formerly Invitae), Labcorp
Classification: Uncertain significance for Alstrom syndrome. Last evaluated: 2021-03-17. Review status: criteria provided, single submitter. Criteria: Invitae Variant Classification Sherloc (09022015). Collection method: clinical testing. Allele origin: germline.
Comment: This sequence change replaces glutamic acid with aspartic acid at codon 636 of the ALMS1 protein (p.Glu636Asp). The glutamic acid residue is weakly conserved and there is a small physicochemical difference between glutamic acid and aspartic acid. This variant is not present in population databases (ExAC no frequency). This variant has not been reported in the literature in individuals with ALMS1-related conditions. Algorithms developed to predict the effect of missense changes on protein structure and function are either unavailable or do not agree on the potential impact of this missense change (SIFT: "Not Available"; PolyPhen-2: "Not Available"; Align-GVGD: "Not Available"). In summary, the available evidence is currently insufficient to determine the role of this variant in disease. Therefore, it has been classified as a Variant of Uncertain Significance.

NM_001378454.1(ALMS1):c.1905G>C (p.Glu635Asp)

Gene: ALMS1 (ALMS1 centrosome and basal body associated protein; plus strand). Cytogenetic location: 2p13.1.
Variant type: single nucleotide variant.
Coding change: c.1905G>C on transcript NM_001378454.1 (MANE Select); coding-DNA position 1905, G replaced by C.
Protein change: p.Glu635Asp; replaces glutamic acid 635 with aspartic acid.
Molecular consequence: missense variant.
Genome position (GRCh38, 1-based): chr2:73,448,432, G>C. VCF-style: chr2-73448432-G-C. GRCh37 (hg19) VCF-style: chr2-73675559-G-C.
Other names: c.1908G>C, p.Glu636Asp (NM_015120.4); short protein forms E635D, E636D.
Identifiers: ClinVar variation 2058886 (VCV002058886.1), dbSNP rs765860335, ClinGen allele CA50391213.